The following is an entry in ClinVar:

ClinVar aggregate classification (germline): Uncertain significance (1 of 4 stars; one submission).

Allele frequency attached by ClinVar (database versions not stated): gnomAD exomes below 0.00001; ExAC 0.00001; gnomAD 0.00001; 1000 Genomes Project 30x 0.00016; 1000 Genomes Project 0.00020.
gnomAD v4.1: 4 of 1,614,058 alleles (0.00025%); highest among the groups gnomAD compares: African/African-American, 0.004%; no homozygotes.

Submission:

Labcorp Genetics (formerly Invitae), Labcorp
Classification: Uncertain significance. Last evaluated: 2023-10-03. Review status: criteria provided, single submitter. Criteria: Invitae Variant Classification Sherloc (09022015). Collection method: clinical testing. Allele origin: germline.
Comment: This sequence change replaces glutamic acid, which is acidic and polar, with glycine, which is neutral and non-polar, at codon 1336 of the NBAS protein (p.Glu1336Gly). This variant is present in population databases (rs541038647, gnomAD 0.007%). This variant has not been reported in the literature in individuals affected with NBAS-related conditions. ClinVar contains an entry for this variant (Variation ID: 1363560). Advanced modeling of protein sequence and biophysical properties (such as structural, functional, and spatial information, amino acid conservation, physicochemical variation, residue mobility, and thermodynamic stability) performed at Invitae indicates that this missense variant is not expected to disrupt NBAS protein function. Algorithms developed to predict the effect of sequence changes on RNA splicing suggest that this variant may disrupt the consensus splice site. In summary, the available evidence is currently insufficient to determine the role of this variant in disease. Therefore, it has been classified as a Variant of Uncertain Significance.

NM_015909.4(NBAS):c.4007A>G (p.Glu1336Gly)

Gene: NBAS (NBAS subunit of NRZ tethering complex; minus strand). Cytogenetic location: 2p24.3.
Variant type: single nucleotide variant.
Coding change: c.4007A>G on transcript NM_015909.4 (MANE Select); coding-DNA position 4007, A replaced by G.
Protein change: p.Glu1336Gly; replaces glutamic acid 1336 with glycine.
Molecular consequence: missense variant. On other transcripts: non-coding transcript variant (1).
Genome position (GRCh38, 1-based): chr2:15,353,635, T>C on the plus strand (A>G on the coding strand, the complement: NBAS is on the minus strand). VCF-style: chr2-15353635-T-C. GRCh37 (hg19) VCF-style: chr2-15493759-T-C.
Other names: short protein forms E1336G.
Identifiers: ClinVar variation 1363560 (VCV001363560.8), dbSNP rs541038647, ClinGen allele CA1535820.